The following is an entry in ClinVar:

NM_002227.4(JAK1):c.205C>G (p.Arg69Gly)

Genes: JAK1 (Janus kinase 1; minus strand), LOC129930680 (ATAC-STARR-seq lymphoblastoid active region 1132; plus strand). Cytogenetic location: 1p31.3.
Variant type: single nucleotide variant.
Coding change: c.205C>G on transcript NM_002227.4 (MANE Select); coding-DNA position 205, C replaced by G.
Protein change: p.Arg69Gly; replaces arginine 69 with glycine.
Molecular consequence: missense variant.
Genome position (GRCh38, 1-based): chr1:64,883,277, G>C on the plus strand (C>G on the coding strand, the complement: JAK1 is on the minus strand). VCF-style: chr1-64883277-G-C. GRCh37 (hg19) VCF-style: chr1-65348960-G-C.
Other names: c.205C>G, p.Arg69Gly (NM_001320923.2, NM_001321852.2, NM_001321853.2 and 4 more transcripts); short protein forms R69G.
Identifiers: ClinVar variation 2976154 (VCV002976154.3), dbSNP rs762318572, ClinGen allele CA340713679.
Genomic context (GRCh38, chr1:64,883,277, plus strand): 5'-AGATCTTCTGAACTAGTGTGTTGGTGAAACCCCCAGCCCTGGGCAGCTGCCAGTACTCAC[G>C]GCATGCCTGTGCAGCCCTGATGCACAGTTCCTCTGCTGTGTACTCTCCACTGCCCAGCCG-3'
Protein context (NP_002218.2, residues 59-79): ELCIRAAQAC[Arg69Gly]ISPLCHNLFA

ClinVar aggregate classification (germline): Uncertain significance (1 of 4 stars; one submission).

gnomAD v4.1: 2 of 1,611,970 alleles (0.00012%); highest among the groups gnomAD compares: African/African-American, 0.0027%; no homozygotes.

Submission:

Labcorp Genetics (formerly Invitae), Labcorp
Classification: Uncertain significance. Last evaluated: 2024-02-24. Review status: criteria provided, single submitter. Criteria: Invitae Variant Classification Sherloc (09022015). Collection method: clinical testing. Allele origin: germline.
Comment: This sequence change replaces arginine, which is basic and polar, with glycine, which is neutral and non-polar, at codon 69 of the JAK1 protein (p.Arg69Gly). This variant is present in population databases (no rsID available, gnomAD 0.007%). This variant has not been reported in the literature in individuals affected with JAK1-related conditions. An algorithm developed to predict the effect of missense changes on protein structure and function (PolyPhen-2) suggests that this variant is likely to be tolerated. In summary, the available evidence is currently insufficient to determine the role of this variant in disease. Therefore, it has been classified as a Variant of Uncertain Significance.